The following is an entry in ClinVar:

ClinVar aggregate classification (germline): Uncertain significance. Review status: criteria provided, multiple submitters, no conflicts (2 of 4 stars). 3 submissions from 3 submitters: Uncertain significance (3). Last evaluated 2025-10-01.

Conditions:
Pontocerebellar hypoplasia type 6 (PCH6). Identifiers: Orphanet 166073, MedGen C1969084, MONDO:0012683, OMIM 611523.

Allele frequency attached by ClinVar (database versions not stated): gnomAD exomes 0.00001.
gnomAD v4.1: 19 of 1,614,172 alleles (0.0012%); highest among the groups gnomAD compares: Admixed American, 0.0033%; no homozygotes.

Submissions (3):

Labcorp Genetics (formerly Invitae), Labcorp
Classification: Uncertain significance. Last evaluated: 2025-10-01. Review status: criteria provided, single submitter. Criteria: Invitae Variant Classification Sherloc (09022015). Collection method: clinical testing. Allele origin: germline.
Comment: This sequence change falls in intron 17 of the RARS2 gene. It does not directly change the encoded amino acid sequence of the RARS2 protein. It affects a nucleotide within the consensus splice site. This variant is not present in population databases (gnomAD no frequency). This variant has not been reported in the literature in individuals affected with RARS2-related conditions. ClinVar contains an entry for this variant (Variation ID: 358231). Variants that disrupt the consensus splice site are a relatively common cause of aberrant splicing (PMID: 17576681, 9536098). Algorithms developed to predict the effect of sequence changes on RNA splicing suggest that this variant may disrupt the consensus splice site. In summary, the available evidence is currently insufficient to determine the role of this variant in disease. Therefore, it has been classified as a Variant of Uncertain Significance.

Victorian Clinical Genetics Services, Murdoch Childrens Research Institute
Classification: Uncertain significance for Pontocerebellar hypoplasia type 6. Last evaluated: 2019-08-28. Review status: criteria provided, single submitter. Criteria: ACMG Guidelines, 2015. Collection method: clinical testing. Allele origin: germline. Inheritance: Autosomal recessive inheritance. Affected: yes.
Comment: A heterozygous splice site variant was identified, NM_020320.4(RARS2):c.1511+3A>G in intron 17 of 19 of the RARS2 gene. This substitution may cause aberrant splicing of exon 17 in the RARS2 gene, and potentially affect protein function; further testing via RNA studies are required to confirm if splicing is altered. The nucleotide at this position has moderate conservation (PhyloP, UCSC). In silico software for this variant is conflicting (NetGene2, NNSPLICE, Human Splicing Finder). The variant is not present in the gnomAD population database. It has not been previously observed in clinical cases. Based on information available at the time of curation, this variant has been classified as a VARIANT of UNCERTAIN SIGNIFICANCE (VUS).

Illumina Laboratory Services, Illumina
Classification: Uncertain significance for Pontocerebellar hypoplasia type 6. Last evaluated: 2018-01-12. Review status: criteria provided, single submitter. Criteria: ICSL Variant Classification Criteria 13 December 2019. Collection method: clinical testing. Allele origin: germline.

Literature cited by the submitters: PubMed 17576681 (cited by Labcorp Genetics (formerly Invitae), Labcorp); PubMed 9536098 (cited by Labcorp Genetics (formerly Invitae), Labcorp).

NM_020320.5(RARS2):c.1511+3A>G

Gene: RARS2 (arginyl-tRNA synthetase 2, mitochondrial; minus strand). Cytogenetic location: 6q15.
Variant type: single nucleotide variant.
Coding change: c.1511+3A>G on transcript NM_020320.5 (MANE Select); 3 bases into the intron after coding-DNA position 1511, A replaced by G.
Molecular consequence: intron variant.
Genome position (GRCh38, 1-based): chr6:87,518,166, T>C on the plus strand (A>G on the coding strand, the complement: RARS2 is on the minus strand). VCF-style: chr6-87518166-T-C. GRCh37 (hg19) VCF-style: chr6-88227884-T-C.
Other names: c.1511+3A>G (NM_001350505.2); c.986+3A>G (NM_001350509.2, NM_001318785.2, NM_001350506.2 and 4 more transcripts).
Identifiers: ClinVar variation 358231 (VCV000358231.7), dbSNP rs886061821, ClinGen allele CA10627737.